The following is an entry in ClinVar:

NM_001371623.1(TCOF1):c.1557del (p.Gly520fs)

Gene: TCOF1 (treacle ribosome biogenesis factor 1; plus strand). Cytogenetic location: 5q32.
Variant type: Deletion.
Coding change: c.1557del on transcript NM_001371623.1 (MANE Select); coding-DNA position 1557, one base deleted (A; older notation c.1557delA).
Protein change: p.Gly520fs; shifts the reading frame from glycine 520.
Molecular consequence: frameshift variant.
Genome position (GRCh38, 1-based): chr5:150,375,407, A deleted; the last of 3 consecutive A bases (chr5:150,375,405-150,375,407); deleting any one gives the same sequence. VCF-style (leftmost placement, unchanged base first): chr5-150375404-GA-G. GRCh37 (hg19) VCF-style: chr5-149754967-GA-G.
Other names: c.1326del, p.Gly443fs (NM_000356.4, NM_001135245.2); c.1557del, p.Gly520fs (NM_001008657.3, NM_001135243.2, NM_001135244.2 and 1 more transcripts); short protein forms G443fs, G520fs.
Identifiers: ClinVar variation 3349050 (VCV003349050.1).

ClinVar aggregate classification (germline): Likely pathogenic (0 of 4 stars; one submission).

Conditions:
TCOF1-related disorder. Also called: TCOF1-related condition.

Submission:

PreventionGenetics, part of Exact Sciences
Classification: Likely pathogenic for TCOF1-related condition. Last evaluated: 2024-03-14. Review status: no assertion criteria provided. Collection method: clinical testing. Allele origin: germline.
Comment: The TCOF1 c.1557delA variant is predicted to result in a frameshift and premature protein termination (p.Gly520Alafs*76). To our knowledge, this variant has not been reported in the literature or in a large population database, indicating this variant is rare. Frameshift variants in TCOF1 are expected to be pathogenic. This variant is interpreted as likely pathogenic.